The following is an entry in ClinVar:

ClinVar aggregate classification (germline): Likely pathogenic. Review status: criteria provided, single submitter (1 of 4 stars). 3 submissions from 3 submitters: Likely pathogenic (1). 2 of the submissions do not count toward it. Last evaluated 2025-09-19.

Conditions:
Intellectual disability. Also called: intellectual disabilities; Intellectual functioning disability; Intellectual developmental disorder. Identifiers: MedGen C3714756, MeSH D008607, MONDO:0001071, HP:0001249.
Intellectual developmental disorder, X-linked 111 (XLID111). Identifiers: MedGen C5829568, MONDO:0957203, OMIM 301107.

Allele frequency attached by ClinVar (database versions not stated): gnomAD exomes 0.00001; ExAC 0.00001.

Submissions (3):

Variantyx, Inc.
Classification: Likely pathogenic for Intellectual developmental disorder, X-linked 111. Last evaluated: 2025-09-19. Review status: criteria provided, single submitter. Criteria: Variantyx Assertion Criteria 2022. Collection method: clinical testing. Allele origin: maternal. Inheritance: X-linked inheritance.
Comment: This is a nonsynonymous variant in the SLITRK2 gene (OMIM: 300561). Pathogenic variants in this gene have been associated with X-linked intellectual developmental disorder 111. This variant has been reported in at least one affected individual (PMID: 35840571) (PS4), and is absent from control populations (PM2). Computational algorithms produce conflicting evidence regarding the predicted functional impact of this variant (REVEL score: 0.295); however, functional studies have shown that this variant alters SLITRK2 protein function (PMID: 35840571) (PS3). Based on the current evidence, this variant is classified as likely pathogenic for X-linked intellectual developmental disorder 111.

OMIM
Classification: Pathogenic for INTELLECTUAL DEVELOPMENTAL DISORDER, X-LINKED 111. Last evaluated: 2023-05-04. Review status: no assertion criteria provided. Collection method: literature only. Allele origin: germline. Not counted in ClinVar's aggregate classification.

Diagnostic Laboratory, Strasbourg University Hospital
Classification: Likely pathogenic for Intellectual disability. Last evaluated: 2022-01-24. Review status: no assertion criteria provided. Collection method: clinical testing, in vitro. Allele origin: de novo, not applicable. Inheritance: X-linked inheritance. Affected: yes. Observed: 1 hemizygote. Functional consequence: variation affecting protein function. Not counted in ClinVar's aggregate classification.

Literature cited by the submitters: PubMed 35840571 (cited by Variantyx, Inc. and OMIM).

NM_032539.5(SLITRK2):c.934A>G (p.Thr312Ala)

Gene: SLITRK2 (SLIT and NTRK like family member 2; plus strand). Cytogenetic location: Xq27.3.
Variant type: single nucleotide variant.
Coding change: c.934A>G on transcript NM_032539.5 (MANE Select); coding-DNA position 934, A replaced by G.
Protein change: p.Thr312Ala; replaces threonine 312 with alanine.
Molecular consequence: missense variant.
Genome position (GRCh38, 1-based): chrX:145,823,359, A>G. VCF-style: chrX-145823359-A-G. GRCh37 (hg19) VCF-style: chrX-144904877-A-G.
Other names: c.934A>G, p.Thr312Ala (NM_001144003.3, NM_001144004.3, NM_001144005.3 and 4 more transcripts); short protein forms T312A.
Identifiers: ClinVar variation 1334907 (VCV001334907.6), dbSNP rs782072593, ClinGen allele CA10535144.